The following is an entry in ClinVar:

ClinVar aggregate classification (germline): Uncertain significance (1 of 4 stars; one submission).

Conditions:
Norman-Roberts syndrome (LIS2). Also called: Lissencephaly 2 (Norman-Roberts type). Identifiers: Orphanet 89844, MedGen C0796089, MONDO:0009760, OMIM 257320.
Familial temporal lobe epilepsy 7. Identifiers: Orphanet 101046, MedGen C4225327, MONDO:0014639, OMIM 616436.

Allele frequency attached by ClinVar (database versions not stated): TOPMed below 0.00001.

Submission:

Labcorp Genetics (formerly Invitae), Labcorp
Classification: Uncertain significance for Familial temporal lobe epilepsy 7; Norman-Roberts syndrome. Last evaluated: 2025-07-17. Review status: criteria provided, single submitter. Criteria: Invitae Variant Classification Sherloc (09022015). Collection method: clinical testing. Allele origin: germline.
Comment: This sequence change replaces arginine, which is basic and polar, with histidine, which is basic and polar, at codon 2363 of the RELN protein (p.Arg2363His). This variant is not present in population databases (gnomAD no frequency). This variant has not been reported in the literature in individuals affected with RELN-related conditions. ClinVar contains an entry for this variant (Variation ID: 2106433). Invitae Evidence Modeling of protein sequence and biophysical properties (such as structural, functional, and spatial information, amino acid conservation, physicochemical variation, residue mobility, and thermodynamic stability) has been performed for this missense variant. However, the output from this modeling did not meet the statistical confidence thresholds required to predict the impact of this variant on RELN protein function. In summary, the available evidence is currently insufficient to determine the role of this variant in disease. Therefore, it has been classified as a Variant of Uncertain Significance.

NM_005045.4(RELN):c.7088G>A (p.Arg2363His)

Gene: RELN (reelin; minus strand). Cytogenetic location: 7q22.1.
Variant type: single nucleotide variant.
Coding change: c.7088G>A on transcript NM_005045.4 (MANE Select); coding-DNA position 7088, G replaced by A.
Protein change: p.Arg2363His; replaces arginine 2363 with histidine.
Molecular consequence: missense variant.
Genome position (GRCh38, 1-based): chr7:103,539,170, C>T on the plus strand (G>A on the coding strand, the complement: RELN is on the minus strand). VCF-style: chr7-103539170-C-T. GRCh37 (hg19) VCF-style: chr7-103179617-C-T.
Other names: c.7088G>A, p.Arg2363His (NM_173054.3); short protein forms R2363H.
Identifiers: ClinVar variation 2106433 (VCV002106433.4), dbSNP rs1562879117, ClinGen allele CA368769174.